The following is an entry in ClinVar:

ClinVar aggregate classification (germline): Uncertain significance. Review status: criteria provided, multiple submitters, no conflicts (2 of 4 stars). 4 submissions from 4 submitters: Uncertain significance (4). Last evaluated 2023-07-14.

Conditions:
Emery-Dreifuss muscular dystrophy 4, autosomal dominant (EDMD4). Also called: EMERY-DREIFUSS MUSCULAR DYSTROPHY 4 WITH VARIABLE FEATURES. Identifiers: Orphanet 261, MedGen C2751807, MONDO:0013071, OMIM 612998.
Autosomal recessive ataxia, Beauce type. Also called: Spinocerebellar ataxia, autosomal recessive 8; ATAXIA, RECESSIVE, OF BEAUCE; SYNE1-Related Autosomal Recessive Cerebellar Ataxia; SYNE1 Deficiency. Identifiers: Orphanet 88644, MedGen C1853116, MONDO:0012549, OMIM 610743.

Allele frequency attached by ClinVar (database versions not stated): gnomAD exomes 0.00003 and 0.00005; TOPMed 0.00003; ExAC 0.00004; gnomAD 0.00005.
gnomAD v4.1: 75 of 1,613,792 alleles (0.0046%); highest among the groups gnomAD compares: Non-Finnish European, 0.006%; no homozygotes.

Submissions (4):

Labcorp Genetics (formerly Invitae), Labcorp
Classification: Uncertain significance for Emery-Dreifuss muscular dystrophy 4, autosomal dominant; Autosomal recessive ataxia, Beauce type. Last evaluated: 2023-07-14. Review status: criteria provided, single submitter. Criteria: Invitae Variant Classification Sherloc (09022015). Collection method: clinical testing. Allele origin: germline.
Comment: This variant is present in population databases (rs760706012, gnomAD 0.006%). In summary, the available evidence is currently insufficient to determine the role of this variant in disease. Therefore, it has been classified as a Variant of Uncertain Significance. An algorithm developed to predict the effect of missense changes on protein structure and function (PolyPhen-2) suggests that this variant is likely to be disruptive. ClinVar contains an entry for this variant (Variation ID: 449799). This variant has not been reported in the literature in individuals affected with SYNE1-related conditions. This sequence change replaces arginine, which is basic and polar, with histidine, which is basic and polar, at codon 6842 of the SYNE1 protein (p.Arg6842His).

Revvity Omics, Revvity
Classification: Uncertain significance. Last evaluated: 2019-05-22. Review status: criteria provided, single submitter. Criteria: ACMG Guidelines, 2015. Collection method: clinical testing. Allele origin: germline.

GeneDx
Classification: Uncertain significance. Last evaluated: 2017-09-08. Review status: criteria provided, single submitter. Criteria: GeneDx Variant Classification (06012015). Collection method: clinical testing. Allele origin: germline. Affected: yes.
Comment: A variant of uncertain significance has been identified in the SYNE1 gene. The R6842H variant has not been published as a pathogenic variant, nor has it been reported as a benign variant to our knowledge. The R6842H variant is observed in 1/11574 (0.01%) alleles from individuals of Latino background (Lek et al., 2016; 1000 Genomes Consortium et al., 2015; Exome Variant Server). The R6842H variant is a conservative amino acid substitution, which is not likely to impact secondary protein structure as these residues share similar properties. However, this substitution occurs at a position that is conserved across species, and in silico analysis predicts this variant is probably damaging to the protein structure/function. Therefore, based on the currently available information, it is unclear whether this variant is a pathogenic variant or a rare benign variant.

Eurofins Ntd Llc (ga)
Classification: Uncertain significance. Last evaluated: 2017-05-04. Review status: criteria provided, single submitter. Criteria: EGL Classification Definitions 2015. Collection method: clinical testing. Allele origin: germline. Observed: 1 variant allele, 1 heterozygote.

NM_182961.4(SYNE1):c.20738G>A (p.Arg6913His)

Gene: SYNE1 (spectrin repeat containing nuclear envelope protein 1; minus strand). Cytogenetic location: 6q25.2.
Variant type: single nucleotide variant.
Coding change: c.20738G>A on transcript NM_182961.4 (MANE Select); coding-DNA position 20738, G replaced by A.
Protein change: p.Arg6913His; replaces arginine 6913 with histidine.
Molecular consequence: missense variant.
Genome position (GRCh38, 1-based): chr6:152,232,240, C>T on the plus strand (G>A on the coding strand, the complement: SYNE1 is on the minus strand). VCF-style: chr6-152232240-C-T. GRCh37 (hg19) VCF-style: chr6-152553375-C-T.
Other names: c.20525G>A, p.Arg6842His (NM_033071.5); short protein forms R6842H, R6913H.
Identifiers: ClinVar variation 449799 (VCV000449799.13), dbSNP rs760706012, ClinGen allele CA4054334.